The following is an entry in ClinVar:

ClinVar aggregate classification (germline): Uncertain significance. Review status: criteria provided, multiple submitters, no conflicts (2 of 4 stars). 2 submissions from 2 submitters: Uncertain significance (2). Last evaluated 2021-04-06.

Conditions:
Hereditary diffuse gastric adenocarcinoma (HDGC). Also called: DIFFUSE GASTRIC AND LOBULAR BREAST CANCER SYNDROME. Identifiers: Orphanet 26106, MedGen C1708349, MONDO:0007648, OMIM 137215.

gnomAD v4.1: 3 of 1,614,146 alleles (0.00019%); highest among the groups gnomAD compares: East Asian, 0.0045%; no homozygotes.

Submissions (2):

Labcorp Genetics (formerly Invitae), Labcorp
Classification: Uncertain significance for Hereditary diffuse gastric adenocarcinoma. Last evaluated: 2021-04-06. Review status: criteria provided, single submitter. Criteria: Invitae Variant Classification Sherloc (09022015). Collection method: clinical testing. Allele origin: germline.
Comment: In summary, the available evidence is currently insufficient to determine the role of this variant in disease. Therefore, it has been classified as a Variant of Uncertain Significance. Algorithms developed to predict the effect of missense changes on protein structure and function output the following: SIFT: "Tolerated"; PolyPhen-2: "Benign"; Align-GVGD: "Class C0". The phenylalanine amino acid residue is found in multiple mammalian species, suggesting that this missense change does not adversely affect protein function. These predictions have not been confirmed by published functional studies and their clinical significance is uncertain. This variant has been observed in individual(s) with breast cancer (PMID: 30287823). ClinVar contains an entry for this variant (Variation ID: 182396). This variant is not present in population databases (ExAC no frequency). This sequence change replaces valine with phenylalanine at codon 391 of the CDH1 protein (p.Val391Phe). The valine residue is weakly conserved and there is a small physicochemical difference between valine and phenylalanine.

GeneDx
Classification: Uncertain significance. Last evaluated: 2014-06-27. Review status: criteria provided, single submitter. Criteria: GeneDx Variant Classification (06012015). Collection method: clinical testing. Allele origin: germline. Affected: yes.
Comment: This variant is denoted CDH1 c.1171G>T at the cDNA level, p.Val391Phe (V391F) at the protein level, and results in the change of a Valine to a Phenylalanine (GTC>TTC). This variant has not, to our knowledge, been published in the literature as pathogenic or benign. CDH1 Val391Phe was not observed in approximately 6,500 individuals of European and African American ancestry in the NHLBI Exome Sequencing Project, indicating it is not a common benign variant in these populations. Since Valine and Phenylalanine differ in some properties, this is considered a semi-conservative amino acid substitution. CDH1 Val391Phe occurs at a position that is variable across species and is located in the 3rd cadherin repeat (UniProt). In silico analyses predict that this variant is unlikely to alter protein structure or function. Based on currently available information, it is unclear whether CDH1 Val391Phe is pathogenic or benign. We consider it to be a variant of uncertain significance.

Literature cited by the submitters: PubMed 30287823 (cited by Labcorp Genetics (formerly Invitae), Labcorp).

NM_004360.5(CDH1):c.1171G>T (p.Val391Phe)

Gene: CDH1 (cadherin 1; plus strand). Cytogenetic location: 16q22.1.
Variant type: single nucleotide variant.
Coding change: c.1171G>T on transcript NM_004360.5 (MANE Select); coding-DNA position 1171, G replaced by T.
Protein change: p.Val391Phe; replaces valine 391 with phenylalanine.
Molecular consequence: missense variant. On other transcripts: 5 prime UTR variant (2), intron variant (1).
Genome position (GRCh38, 1-based): chr16:68,813,346, G>T. VCF-style: chr16-68813346-G-T. GRCh37 (hg19) VCF-style: chr16-68847249-G-T.
Other names: p.V391F:GTC>TTC; c.1171G>T (LRG_301t1); c.-445G>T (NM_001317185.2); c.-649G>T (NM_001317186.2); c.1137+1083G>T (NM_001317184.2); short protein forms V391F.
Identifiers: ClinVar variation 182396 (VCV000182396.10), dbSNP rs556110297, ClinGen allele CA298986.